The following is an entry in ClinVar:

NM_000466.3(PEX1):c.2227G>A (p.Glu743Lys)

Gene: PEX1 (peroxisomal biogenesis factor 1; minus strand). Cytogenetic location: 7q21.2.
Variant type: single nucleotide variant.
Coding change: c.2227G>A on transcript NM_000466.3 (MANE Select); coding-DNA position 2227, G replaced by A.
Protein change: p.Glu743Lys; replaces glutamic acid 743 with lysine.
Molecular consequence: missense variant.
Genome position (GRCh38, 1-based): chr7:92,502,079, C>T on the plus strand (G>A on the coding strand, the complement: PEX1 is on the minus strand). VCF-style: chr7-92502079-C-T. GRCh37 (hg19) VCF-style: chr7-92131393-C-T.
Other names: c.2056G>A, p.Glu686Lys (NM_001282677.2); c.1603G>A, p.Glu535Lys (NM_001282678.2); short protein forms E686K, E535K, E743K.
Identifiers: ClinVar variation 2814701 (VCV002814701.3), dbSNP rs2484662077, ClinGen allele CA368178883.

ClinVar aggregate classification (germline): Uncertain significance (1 of 4 stars; one submission).

Conditions:
Zellweger spectrum disorders (ZS). Also called: Zellweger Spectrum Disorder; Zellweger Spectrum; Zellweger Spectrum Disorder (ZSD); Zellweger syndrome. Identifiers: Orphanet 912, MedGen C0043459, MONDO:0019609.

Submission:

Labcorp Genetics (formerly Invitae), Labcorp
Classification: Uncertain significance for Zellweger spectrum disorders. Last evaluated: 2022-12-23. Review status: criteria provided, single submitter. Criteria: Invitae Variant Classification Sherloc (09022015). Collection method: clinical testing. Allele origin: germline.
Comment: This variant is not present in population databases (gnomAD no frequency). In summary, the available evidence is currently insufficient to determine the role of this variant in disease. Therefore, it has been classified as a Variant of Uncertain Significance. Algorithms developed to predict the effect of missense changes on protein structure and function (SIFT, PolyPhen-2, Align-GVGD) all suggest that this variant is likely to be tolerated. This variant has not been reported in the literature in individuals affected with PEX1-related conditions. This sequence change replaces glutamic acid, which is acidic and polar, with lysine, which is basic and polar, at codon 743 of the PEX1 protein (p.Glu743Lys).